The following is an entry in ClinVar:

NM_006721.4(ADK):c.953C>A (p.Ala318Glu)

Gene: ADK (adenosine kinase; plus strand). Cytogenetic location: 10q22.2.
Variant type: single nucleotide variant.
Coding change: c.953C>A on transcript NM_006721.4 (MANE Select); coding-DNA position 953, C replaced by A.
Protein change: p.Ala318Glu; replaces alanine 318 with glutamic acid.
Molecular consequence: missense variant.
Genome position (GRCh38, 1-based): chr10:74,670,258, C>A. VCF-style: chr10-74670258-C-A. GRCh37 (hg19) VCF-style: chr10-76430016-C-A.
Other names: c.902C>A, p.Ala301Glu (NM_001123.4); c.848C>A, p.Ala283Glu (NM_001202449.2); c.782C>A, p.Ala261Glu (NM_001202450.2); c.838C>A, p.His280Asn (NM_001369123.1); c.731C>A, p.Ala244Glu (NM_001369124.1); short protein forms A301E, A318E, A261E, A244E, H280N, A283E.
Identifiers: ClinVar variation 29603 (VCV000029603.4), dbSNP rs397514452, ClinGen allele CA249476.

ClinVar aggregate classification (germline): Pathogenic. Review status: criteria provided, single submitter (1 of 4 stars). 2 submissions from 2 submitters: Pathogenic (1). 1 of the submissions does not count toward it. Last evaluated 2017-04-28.

Conditions:
Adenosine kinase deficiency. Also called: MENTAL RETARDATION, AUTOSOMAL RECESSIVE 8; Hypermethioninemia due to adenosine kinase deficiency. Identifiers: Orphanet 289290, Orphanet 88616, MedGen C4706555, MONDO:0100255, OMIM 614300.

Allele frequency attached by ClinVar (database versions not stated): ExAC 0.00002.
gnomAD v4.1: 5 of 1,613,054 alleles (0.00031%); highest among the groups gnomAD compares: Non-Finnish European, 0.00017%; no homozygotes.

Submissions (2):

Centre for Inherited Metabolic Diseases, Karolinska University Hospital
Classification: Pathogenic for Adenosine kinase deficiency. Last evaluated: 2017-04-28. Review status: criteria provided, single submitter. Criteria: ACMG Guidelines, 2015. Collection method: research, clinical testing. Allele origin: biparental. Inheritance: Autosomal recessive inheritance. Affected: yes. Observed: 2 variant alleles, 2 homozygotes. Clinical features observed: Neurodevelopmental abnormality, Abnormality of the liver, Seizure, Morphological central nervous system abnormality.
Comment: Plasma levels of methionine, S-adenosylmethionine (AdoMet), and S-adenosylhomocysteine (AdoHcy) were increased, homocysteine (Hcy) was normal or mildly elevated. S-adenosylhomocysteine hydrolase (SAHH) deficiency was excluded. Urinary adenosine excretion was increased. Recombinant enzyme experiments revealed reduced activity in the adenosine kinase protein.

OMIM
Classification: Pathogenic for HYPERMETHIONINEMIA DUE TO ADENOSINE KINASE DEFICIENCY. Last evaluated: 2011-10-07. Review status: no assertion criteria provided. Collection method: literature only. Allele origin: germline. Not counted in ClinVar's aggregate classification.

Literature cited by the submitters: PubMed 26975589 (cited by Centre for Inherited Metabolic Diseases, Karolinska University Hospital); PubMed 21963049 (cited by OMIM).